The following is an entry in ClinVar:

NM_001001331.4(ATP2B2):c.3289_3292dup (p.Leu1098fs)

Gene: ATP2B2 (ATPase plasma membrane Ca2+ transporting 2; minus strand). Cytogenetic location: 3p25.3.
Variant type: Microsatellite.
Coding change: c.3289_3292dup on transcript NM_001001331.4 (MANE Select); coding-DNA positions 3289 to 3292, 4 bases duplicated (AGGC; older notation c.3289_3292dupAGGC).
Protein change: p.Leu1098fs; shifts the reading frame from leucine 1098.
Molecular consequence: frameshift variant.
Genome position (GRCh38, 1-based): chr3:10,338,304-10,338,307, GCCT duplicated on the plus strand (AGGC on the coding strand, the reverse complement: ATP2B2 is on the minus strand); duplicating any 4 consecutive bases within chr3:10,338,304-10,338,315 gives the same sequence; the c. name uses the placement nearest the transcript's 3' end. VCF-style (leftmost placement, unchanged base first): chr3-10338303-A-AGCCT. GRCh37 (hg19) VCF-style: chr3-10379987-A-AGCCT.
Other names: c.3154_3157dup, p.Leu1053fs (NM_001330611.3, NM_001353564.1, NM_001363862.1 and 2 more transcripts); c.3196_3199dup, p.Leu1067fs (NM_001438646.1); short protein forms L1053fs, L1067fs, L1098fs.
Identifiers: ClinVar variation 5040482 (VCV005040482.1).

ClinVar aggregate classification (germline): Uncertain significance (1 of 4 stars; one submission).

Submission:

CeGaT Center for Human Genetics Tuebingen
Classification: Uncertain significance. Last evaluated: 2026-07-01. Review status: criteria provided, single submitter. Criteria: CeGaT Center For Human Genetics Tuebingen Variant Classification Criteria Version 2. Collection method: clinical testing. Allele origin: germline. Affected: yes. Observed: 1 variant allele.
Comment: ATP2B2: PM2, PVS1:Moderate